The following is an entry in ClinVar:

NM_001035.3(RYR2):c.13069G>A (p.Ala4357Thr)

Genes: RYR2 (ryanodine receptor 2; plus strand), LOC126806068 (BRD4-independent group 4 enhancer GRCh37_chr1:237947411-237948610; plus strand). Cytogenetic location: 1q43.
Variant type: single nucleotide variant.
Coding change: c.13069G>A on transcript NM_001035.3 (MANE Select); coding-DNA position 13069, G replaced by A.
Protein change: p.Ala4357Thr; replaces alanine 4357 with threonine.
Molecular consequence: missense variant.
Genome position (GRCh38, 1-based): chr1:237,784,781, G>A. VCF-style: chr1-237784781-G-A. GRCh37 (hg19) VCF-style: chr1-237948081-G-A.
Other names: c.13069G>A, p.Ala4357Thr (LRG_402t1); short protein forms A4357T.
Identifiers: ClinVar variation 514526 (VCV000514526.58), dbSNP rs747622318, ClinGen allele CA085292.

ClinVar aggregate classification (germline): Likely benign. Review status: criteria provided, multiple submitters, no conflicts (2 of 4 stars). 6 submissions from 6 submitters: Likely benign (5). 1 of the submissions does not count toward it. Last evaluated 2026-01-16.

Conditions:
Cardiovascular phenotype. Identifiers: MedGen CN230736.
RYR2-related disorder. Also called: RYR2-related condition.
Cardiomyopathy (CMYO). Also called: Cardiomyopathies. Identifiers: Orphanet 167848, MedGen C0878544, MONDO:0004994, HP:0001638. Inheritance: Various modes of inheritance.
Catecholaminergic polymorphic ventricular tachycardia 1. Also called: VENTRICULAR TACHYCARDIA, CATECHOLAMINERGIC POLYMORPHIC, 1, WITH OR WITHOUT ATRIAL DYSFUNCTION AND/OR DILATED CARDIOMYOPATHY; VENTRICULAR TACHYCARDIA, STRESS-INDUCED POLYMORPHIC 1; RYR2-Related Catecholaminergic Polymorphic Ventricular Tachycardia. Identifiers: Orphanet 3286, MedGen C1631597, MONDO:0011484, OMIM 604772.

Allele frequency attached by ClinVar (database versions not stated): gnomAD 0.00009 and 0.00015; TOPMed 0.00009; gnomAD exomes 0.00020; ExAC 0.00023.
gnomAD v4.1: 160 of 1,608,582 alleles (0.0099%); highest among the groups gnomAD compares: South Asian, 0.14%; 2 homozygotes.

Submissions (6):

Labcorp Genetics (formerly Invitae), Labcorp
Classification: Likely benign for Catecholaminergic polymorphic ventricular tachycardia 1. Last evaluated: 2026-01-16. Review status: criteria provided, single submitter. Criteria: Invitae Variant Classification Sherloc (09022015). Collection method: clinical testing. Allele origin: germline.

Blueprint Genetics
Classification: Likely benign. Last evaluated: 2024-11-25. Review status: criteria provided, single submitter. Criteria: ACMG Guidelines, 2015. Collection method: clinical testing. Allele origin: germline.

GeneDx
Classification: Likely benign. Last evaluated: 2020-08-20. Review status: criteria provided, single submitter. Criteria: GeneDx Variant Classification Process June 2021. Collection method: clinical testing. Allele origin: germline. Affected: yes.

Ambry Genetics
Classification: Likely benign for Cardiovascular phenotype. Last evaluated: 2019-05-31. Review status: criteria provided, single submitter. Criteria: Ambry Variant Classification Scheme 2023. Collection method: clinical testing. Allele origin: germline.

Color Diagnostics, LLC DBA Color Health
Classification: Likely benign for Cardiomyopathy. Last evaluated: 2018-11-26. Review status: criteria provided, single submitter. Criteria: ACMG Guidelines, 2015. Collection method: clinical testing. Allele origin: germline.

PreventionGenetics, part of Exact Sciences
Classification: Likely benign for RYR2-related condition. Last evaluated: 2024-03-13. Review status: no assertion criteria provided. Collection method: clinical testing. Allele origin: germline. Not counted in ClinVar's aggregate classification.
Comment: This variant is classified as likely benign based on ACMG/AMP sequence variant interpretation guidelines (Richards et al. 2015 PMID: 25741868, with internal and published modifications).